The following is an entry in ClinVar:

NM_001379403.1(WDR26):c.1259del (p.Asn420fs)

Gene: WDR26 (WD repeat domain 26; minus strand). Cytogenetic location: 1q42.12.
Variant type: Deletion.
Coding change: c.1259del on transcript NM_001379403.1 (MANE Select); coding-DNA position 1259, one base deleted (A; older notation c.1259delA).
Protein change: p.Asn420fs; shifts the reading frame from asparagine 420.
Molecular consequence: frameshift variant.
Genome position (GRCh38, 1-based): chr1:224,418,320, T deleted on the plus strand (A on the coding strand, the reverse complement: WDR26 is on the minus strand); the first of 2 consecutive T bases (chr1:224,418,320-224,418,321); deleting either gives the same sequence. VCF-style (leftmost placement, unchanged base first): chr1-224418319-AT-A. GRCh37 (hg19) VCF-style: chr1-224606021-AT-A.
Other names: c.911del, p.Asn304fs (NM_001115113.3); c.959del, p.Asn320fs (NM_025160.7); c.959delA (NM_025160.6); short protein forms N304fs, N320fs, N420fs.
Identifiers: ClinVar variation 545954 (VCV000545954.2), dbSNP rs1553358993, ClinGen allele CA658822236.

ClinVar aggregate classification (germline): Pathogenic (1 of 4 stars; one submission).

Submission:

GeneDx
Classification: Pathogenic. Last evaluated: 2018-05-18. Review status: criteria provided, single submitter. Criteria: GeneDx Variant Classification (06012015). Collection method: clinical testing. Allele origin: germline. Affected: yes.
Comment: The c.959delA variant in the WDR26 gene has not been reported previously as a pathogenic variant nor as a benign variant, to our knowledge. The c.959delA variant causes a frameshift starting with codon Asparagine 320, changes this amino acid to an Isoleucine residue, and creates a premature Stop codon at position 8 of the new reading frame, denoted p.Asn320IlefsX8. This variant is predicted to cause loss of normal protein function either through protein truncation or nonsense-mediated mRNA decay. The c.959delA variant is not observed in large population cohorts (Lek et al., 2016). We interpret c.959delA as a pathogenic variant.